The following is an entry in ClinVar:

NM_194248.3(OTOF):c.2623G>A (p.Val875Met)

Gene: OTOF (otoferlin; minus strand). Cytogenetic location: 2p23.3.
Variant type: single nucleotide variant.
Coding change: c.2623G>A on transcript NM_194248.3 (MANE Select); coding-DNA position 2623, G replaced by A.
Protein change: p.Val875Met; replaces valine 875 with methionine.
Molecular consequence: missense variant.
Genome position (GRCh38, 1-based): chr2:26,476,944, C>T on the plus strand (G>A on the coding strand, the complement: OTOF is on the minus strand). VCF-style: chr2-26476944-C-T. GRCh37 (hg19) VCF-style: chr2-26699812-C-T.
Other names: c.2623G>A, p.Val875Met (NM_001287489.2); c.382G>A, p.Val128Met (NM_004802.4, NM_194323.3); c.553G>A, p.Val185Met (NM_194322.3); short protein forms V128M, V185M, V875M.
Identifiers: ClinVar variation 4083208 (VCV004083208.2).
Genomic context (GRCh38, chr2:26,476,944, plus strand): 5'-CCAGCACCTTAAGGAAGAGCGTCTTGACCTTGGCGCAGTCCTTGCCAGTCTCCTCCTCCA[C>T]GATGGAGAAGAGCAGGTCCTTGGAGGGCACACGGGCATAGGCGACACGCTTGTTGTTGCT-3'
Protein context (NP_919224.1, residues 865-885): VPSKDLLFSI[Val875Met]EEETGKDCAK

ClinVar aggregate classification (germline): Uncertain significance (1 of 4 stars; one submission).

gnomAD v4.1: 34 of 1,610,884 alleles (0.0021%); highest among the groups gnomAD compares: Admixed American, 0.005%; no homozygotes.

Submission:

GeneDx
Classification: Uncertain significance. Last evaluated: 2026-03-12. Review status: criteria provided, single submitter. Criteria: GeneDx Variant Classification Process June 2021. Collection method: clinical testing. Allele origin: germline.
Comment: Not observed at significant frequency in large population cohorts (gnomAD); In silico analysis suggests that this missense variant does not alter protein structure/function; Has not been previously published as pathogenic or benign to our knowledge